The following is an entry in ClinVar:

ClinVar aggregate classification (germline): Uncertain significance (1 of 4 stars; one submission).

Submission:

Labcorp Genetics (formerly Invitae), Labcorp
Classification: Uncertain significance. Last evaluated: 2023-03-20. Review status: criteria provided, single submitter. Criteria: Invitae Variant Classification Sherloc (09022015). Collection method: clinical testing. Allele origin: germline.
Comment: This sequence change falls in intron 4 of the RPL27 gene. It does not directly change the encoded amino acid sequence of the RPL27 protein. Information on the frequency of this variant in the gnomAD database is not available, as this variant may be reported differently in the database. This variant has not been reported in the literature in individuals affected with RPL27-related conditions. Experimental studies and prediction algorithms are not available or were not evaluated, and the effect of this variant on mRNA splicing is currently unknown. In summary, the available evidence is currently insufficient to determine the role of this variant in disease. Therefore, it has been classified as a Variant of Uncertain Significance.

NM_000988.5(RPL27):c.362+17_362+18delinsCA

Gene: RPL27 (ribosomal protein L27; plus strand). Cytogenetic location: 17q21.31.
Variant type: Indel.
Coding change: c.362+17_362+18delinsCA on transcript NM_000988.5 (MANE Select); bases 17 to 18 of the intron after coding-DNA position 362, AG replaced by CA.
Molecular consequence: intron variant.
Genome position (GRCh38, 1-based): chr17:43,002,800-43,002,801, AG replaced by CA. VCF-style: chr17-43002800-AG-CA. GRCh37 (hg19) VCF-style: chr17-41154817-AG-CA.
Other names: c.362+17_362+18delinsCA (NM_001349921.2, NM_001349922.2).
Identifiers: ClinVar variation 2874236 (VCV002874236.3), dbSNP rs2544340875, ClinGen allele CA2739267577.